The following is an entry in ClinVar:

ClinVar aggregate classification (germline): Uncertain significance. Review status: criteria provided, multiple submitters, no conflicts (2 of 4 stars). 2 submissions from 2 submitters: Uncertain significance (2). Last evaluated 2021-12-03.

Conditions:
Inborn genetic diseases. Identifiers: MedGen C0950123, MeSH D030342.

gnomAD v4.1: 11 of 1,573,410 alleles (0.0007%); highest among the groups gnomAD compares: Non-Finnish European, 0.00095%; no homozygotes.

Submissions (2):

Ambry Genetics
Classification: Uncertain significance for Inborn genetic diseases. Last evaluated: 2021-12-03. Review status: criteria provided, single submitter. Criteria: Ambry Variant Classification Scheme 2023. Collection method: clinical testing. Allele origin: germline.

Labcorp Genetics (formerly Invitae), Labcorp
Classification: Uncertain significance. Last evaluated: 2021-08-04. Review status: criteria provided, single submitter. Criteria: Invitae Variant Classification Sherloc (09022015). Collection method: clinical testing. Allele origin: germline.
Comment: In summary, the available evidence is currently insufficient to determine the role of this variant in disease. Therefore, it has been classified as a Variant of Uncertain Significance. Algorithms developed to predict the effect of missense changes on protein structure and function are either unavailable or do not agree on the potential impact of this missense change (SIFT: "Deleterious"; PolyPhen-2: "Benign"; Align-GVGD: "Class C35"). This variant has not been reported in the literature in individuals affected with MPDZ-related conditions. This variant is present in population databases (rs752517422, ExAC 0.003%). This sequence change replaces valine with glutamic acid at codon 659 of the MPDZ protein (p.Val659Glu). The valine residue is moderately conserved and there is a moderate physicochemical difference between valine and glutamic acid.

NM_001378778.1(MPDZ):c.1976T>A (p.Val659Glu)

Gene: MPDZ (multiple PDZ domain crumbs cell polarity complex component; minus strand). Cytogenetic location: 9p23.
Variant type: single nucleotide variant.
Coding change: c.1976T>A on transcript NM_001378778.1 (MANE Select); coding-DNA position 1976, T replaced by A.
Protein change: p.Val659Glu; replaces valine 659 with glutamic acid.
Molecular consequence: missense variant.
Genome position (GRCh38, 1-based): chr9:13,190,292, A>T on the plus strand (T>A on the coding strand, the complement: MPDZ is on the minus strand). VCF-style: chr9-13190292-A-T. GRCh37 (hg19) VCF-style: chr9-13190291-A-T.
Other names: c.1976T>A, p.Val659Glu (NM_001261406.2, NM_001261407.2, NM_001330637.2 and 14 more transcripts); c.1976T>A (NM_003829.3); short protein forms V659E.
Identifiers: ClinVar variation 1470309 (VCV001470309.7), dbSNP rs752517422, ClinGen allele CA4987600.